The following is an entry in ClinVar:

NM_005188.4(CBL):c.405G>C (p.Glu135Asp)

Gene: CBL (Cbl proto-oncogene; plus strand). Cytogenetic location: 11q23.3.
Variant type: single nucleotide variant.
Coding change: c.405G>C on transcript NM_005188.4 (MANE Select); coding-DNA position 405, G replaced by C.
Protein change: p.Glu135Asp; replaces glutamic acid 135 with aspartic acid.
Molecular consequence: missense variant.
Genome position (GRCh38, 1-based): chr11:119,232,657, G>C. VCF-style: chr11-119232657-G-C. GRCh37 (hg19) VCF-style: chr11-119103367-G-C.
Other names: c.405G>C (NM_005188.2); short protein forms E135D.
Identifiers: ClinVar variation 374800 (VCV000374800.3), dbSNP rs1057519030, ClinGen allele CA16043920.

ClinVar aggregate classification (germline): Uncertain significance. Review status: criteria provided, multiple submitters, no conflicts (2 of 4 stars). 2 submissions from 2 submitters: Uncertain significance (2). Last evaluated 2025-12-09.

Conditions:
CBL-related disorder. Also called: CBL MUTATION-ASSOCIATED SYNDROME; CBL SYNDROME; NOONAN SYNDROME-LIKE DISORDER WITHOUT JUVENILE MYELOMONOCYTIC LEUKEMIA. Identifiers: Orphanet 363972, MedGen C3150803, MONDO:0013308, OMIM 613563.
Cardiovascular phenotype. Identifiers: MedGen CN230736.

Submissions (2):

Ambry Genetics
Classification: Uncertain significance for Cardiovascular phenotype. Last evaluated: 2025-12-09. Review status: criteria provided, single submitter. Criteria: Ambry Variant Classification Scheme 2023. Collection method: clinical testing. Allele origin: germline.
Comment: The p.E135D variant (also known as c.405G>C), located in coding exon 2 of the CBL gene, results from a G to C substitution at nucleotide position 405. The glutamic acid at codon 135 is replaced by aspartic acid, an amino acid with highly similar properties. This amino acid position is conserved. In addition, this alteration is predicted to be tolerated by in silico analysis. Based on the available evidence, the clinical significance of this variant remains unclear.

Genomic Diagnostic Laboratory, Division of Genomic Diagnostics, Children's Hospital of Philadelphia
Classification: Uncertain significance for Noonan syndrome-like disorder with or without juvenile myelomonocytic leukemia. Last evaluated: 2016-09-03. Review status: criteria provided, single submitter. Criteria: DGD Variant Analysis Guidelines. Collection method: clinical testing. Allele origin: germline. Observed: 2 variant alleles.
Comment: Clinical Testing